The following is an entry in ClinVar:

NM_199242.3(UNC13D):c.2965G>A (p.Ala989Thr)

Gene: UNC13D (unc-13 homolog D; minus strand). Cytogenetic location: 17q25.1.
Variant type: single nucleotide variant.
Coding change: c.2965G>A on transcript NM_199242.3 (MANE Select); coding-DNA position 2965, G replaced by A.
Protein change: p.Ala989Thr; replaces alanine 989 with threonine.
Molecular consequence: missense variant.
Genome position (GRCh38, 1-based): chr17:75,828,973, C>T on the plus strand (G>A on the coding strand, the complement: UNC13D is on the minus strand). VCF-style: chr17-75828973-C-T. GRCh37 (hg19) VCF-style: chr17-73825054-C-T.
Other names: short protein forms A989T.
Identifiers: ClinVar variation 1393623 (VCV001393623.4), dbSNP rs1177653533, ClinGen allele CA401075531.

ClinVar aggregate classification (germline): Uncertain significance (1 of 4 stars; one submission).

Conditions:
Familial hemophagocytic lymphohistiocytosis 3 (FHL3). Also called: UNC13D-Related Familial Hemophagocytic Lymphohistiocytosis (UNC13D-fHLH). Identifiers: Orphanet 540, MedGen C1837174, MONDO:0012146, OMIM 608898.

Allele frequency attached by ClinVar (database versions not stated): gnomAD exomes below 0.00001; TOPMed below 0.00001.

Submission:

Labcorp Genetics (formerly Invitae), Labcorp
Classification: Uncertain significance for Familial hemophagocytic lymphohistiocytosis 3. Last evaluated: 2021-11-16. Review status: criteria provided, single submitter. Criteria: Invitae Variant Classification Sherloc (09022015). Collection method: clinical testing. Allele origin: germline.
Comment: In summary, the available evidence is currently insufficient to determine the role of this variant in disease. Therefore, it has been classified as a Variant of Uncertain Significance. Algorithms developed to predict the effect of missense changes on protein structure and function output the following: SIFT: "Not Available"; PolyPhen-2: "Benign"; Align-GVGD: "Not Available". The threonine amino acid residue is found in multiple mammalian species, which suggests that this missense change does not adversely affect protein function. This variant has not been reported in the literature in individuals affected with UNC13D-related conditions. This variant is not present in population databases (gnomAD no frequency). This sequence change replaces alanine, which is neutral and non-polar, with threonine, which is neutral and polar, at codon 989 of the UNC13D protein (p.Ala989Thr).